The following is an entry in ClinVar:

ClinVar aggregate classification (germline): Uncertain significance (1 of 4 stars; one submission).

Conditions:
Brugada syndrome 8 (BRGDA8). Identifiers: Orphanet 130, MedGen C2751083, MONDO:0013148, OMIM 613123.

Submission:

Labcorp Genetics (formerly Invitae), Labcorp
Classification: Uncertain significance for Brugada syndrome 8. Last evaluated: 2024-02-18. Review status: criteria provided, single submitter. Criteria: Invitae Variant Classification Sherloc (09022015). Collection method: clinical testing. Allele origin: germline.
Comment: This variant, c.451_489del, results in the deletion of 13 amino acid(s) of the HCN4 protein (p.Glu151_Ala163del), but otherwise preserves the integrity of the reading frame. This variant is not present in population databases (gnomAD no frequency). This variant has not been reported in the literature in individuals affected with HCN4-related conditions. Experimental studies and prediction algorithms are not available or were not evaluated, and the functional significance of this variant is currently unknown. In summary, the available evidence is currently insufficient to determine the role of this variant in disease. Therefore, it has been classified as a Variant of Uncertain Significance.

NM_005477.3(HCN4):c.451_489del (p.Glu151_Ala163del)

Gene: HCN4 (hyperpolarization activated cyclic nucleotide gated potassium channel 4; minus strand). Cytogenetic location: 15q24.1.
Variant type: Deletion.
Coding change: c.451_489del on transcript NM_005477.3 (MANE Select); coding-DNA positions 451 to 489, 39 bases deleted.
Protein change: p.Glu151_Ala163del.
Genome position (GRCh38, 1-based): chr15:73,367,782-73,367,820, 39 bases deleted; deleting any 39 consecutive bases within chr15:73,367,782-73,367,823 gives the same sequence; the c. name uses the placement nearest the transcript's 3' end. GRCh37 (hg19): chr15:73,660,126-73,660,164.
Identifiers: ClinVar variation 3630896 (VCV003630896.2).